The following is an entry in ClinVar:

ClinVar aggregate classification (germline): Uncertain significance (1 of 4 stars; one submission).

Submission:

GeneDx
Classification: Uncertain significance. Last evaluated: 2024-12-04. Review status: criteria provided, single submitter. Criteria: GeneDx Variant Classification Process June 2021. Collection method: clinical testing. Allele origin: germline. Affected: yes.
Comment: Has not been previously published as pathogenic or benign to our knowledge; Not observed at significant frequency in large population cohorts (gnomAD); In-frame duplication of 5 amino acids in a non-repeat region

NM_001267550.2(TTN):c.54674_54688dup (p.Val18229_Glu18230insGlyLeuLysGlyVal)

Genes: TTN (titin; minus strand), TTN-AS1 (TTN antisense RNA 1; plus strand). Cytogenetic location: 2q31.2.
Variant type: Duplication.
Coding change: c.54674_54688dup on transcript NM_001267550.2 (MANE Select); coding-DNA positions 54674 to 54688, 15 bases duplicated (GATTGAAAGGCGTGG).
Protein change: p.Val18229_Glu18230insGlyLeuLysGlyVal.
Molecular consequence: inframe indel (on NM_001267550.1).
Genome position (GRCh38, 1-based): chr2:178,603,999-178,604,013, CCACGCCTTTCAATC duplicated on the plus strand (GATTGAAAGGCGTGG on the coding strand, the reverse complement: TTN is on the minus strand); duplicating any 15 consecutive bases within chr2:178,603,999-178,604,017 gives the same sequence; the c. name uses the placement nearest the transcript's 3' end. VCF-style (leftmost placement, unchanged base first): chr2-178603998-T-TCCACGCCTTTCAATC. GRCh37 (hg19) VCF-style: chr2-179468725-T-TCCACGCCTTTCAATC.
Other names: c.49751_49765dup, p.Val16588_Glu16589insGlyLeuLysGlyVal (NM_001256850.1); c.27479_27493dup, p.Val9164_Glu9165insGlyLeuLysGlyVal (NM_003319.4); c.46970_46984dup, p.Val15661_Glu15662insGlyLeuLysGlyVal (NM_133378.4); c.27854_27868dup, p.Val9289_Glu9290insGlyLeuLysGlyVal (NM_133432.3); c.28055_28069dup, p.Val9356_Glu9357insGlyLeuLysGlyVal (NM_133437.4); c.54674_54688dup (NM_001267550.1).
Identifiers: ClinVar variation 3901711 (VCV003901711.1).